The following is an entry in ClinVar:

NM_001170629.2(CHD8):c.4846G>C (p.Asp1616His)

Gene: CHD8 (chromodomain helicase DNA binding protein 8; minus strand). Cytogenetic location: 14q11.2.
Variant type: single nucleotide variant.
Coding change: c.4846G>C on transcript NM_001170629.2 (MANE Select); coding-DNA position 4846, G replaced by C.
Protein change: p.Asp1616His; replaces aspartic acid 1616 with histidine.
Molecular consequence: missense variant.
Genome position (GRCh38, 1-based): chr14:21,399,677, C>G on the plus strand (G>C on the coding strand, the complement: CHD8 is on the minus strand). VCF-style: chr14-21399677-C-G. GRCh37 (hg19) VCF-style: chr14-21867836-C-G.
Other names: c.4009G>C, p.Asp1337His (NM_020920.4); short protein forms D1337H, D1616H.
Identifiers: ClinVar variation 983395 (VCV000983395.7), dbSNP rs1055883888, ClinGen allele CA257599969.

ClinVar aggregate classification (germline): Uncertain significance. Review status: criteria provided, multiple submitters, no conflicts (2 of 4 stars). 4 submissions from 4 submitters: Uncertain significance (4). Last evaluated 2026-08-06.

Conditions:
Intellectual developmental disorder with autism and macrocephaly. Also called: CHD8-Related Neurodevelopmental Disorder with Overgrowth; Autism, susceptibility to, 18. Identifiers: Orphanet 642675, MedGen C3554373, MONDO:0014017, OMIM 615032.
Inborn genetic diseases. Identifiers: MedGen C0950123, MeSH D030342.

Allele frequency attached by ClinVar (database versions not stated): TOPMed below 0.00001; gnomAD 0.00001.
gnomAD v4.1: 5 of 1,612,514 alleles (0.00031%); highest among the groups gnomAD compares: African/African-American, 0.0067%; no homozygotes.

Submissions (4):

OLLIN Analises Genomicas, OLLIN
Classification: Uncertain significance for Intellectual developmental disorder with autism and macrocephaly. Last evaluated: 2026-08-06. Review status: criteria provided, single submitter. Criteria: ACMG Guidelines 2015 PMID 25741868. Collection method: clinical testing. Allele origin: germline. Inheritance: Autosomal dominant inheritance.
Comment: This missense variant, located in exon 26 (of 38), has been reported in ClinVar (accession VCV000983395.6) and in gnomAD with an allele frequency of 0.00031%. However, to our knowledge, it has not been reported in the scientific literature. In silico analysis is inconclusive regarding the impact of this variant. According to the currently available evidence, this variant has been classified as uncertain significance (PM2_P).

Ambry Genetics
Classification: Uncertain significance for Inborn genetic diseases. Last evaluated: 2025-04-01. Review status: criteria provided, single submitter. Criteria: Ambry Variant Classification Scheme 2023. Collection method: clinical testing. Allele origin: germline.

GeneDx
Classification: Uncertain significance. Last evaluated: 2020-08-26. Review status: criteria provided, single submitter. Criteria: GeneDx Variant Classification Process June 2021. Collection method: clinical testing. Allele origin: germline. Affected: yes.
Comment: In silico analysis, which includes protein predictors and evolutionary conservation, supports a deleterious effect; Has not been previously published as pathogenic or benign to our knowledge

New York Genome Center
Classification: Uncertain significance for Intellectual developmental disorder with autism and macrocephaly. Last evaluated: 2020-03-19. Review status: criteria provided, single submitter. Criteria: NYGC Assertion Criteria 2020. Collection method: clinical testing. Allele origin: germline. Affected: yes. Observed: 1 heterozygote. Study: CSER-NYCKidSeq.
Comment: The c.4846G>C (p.Asp1616His) variant detected in the CHD8 gene substitutes a well conserved Aspartic Acid for Histidine at amino acid 1616/2582 (coding exon 26/38).This variant is present with low frequency in gnomAD (1 heterozygote, 0 homozygotes; allele frequency: 3.19e-5) suggesting it is not a common benign variant in the populations represented in this database. In silico algorithms predict this variant to be Deleterious (Provean; score: -5.09) and Damaging (SIFT; score:0.005) to the function of the canonical transcript. This variant is absent from ClinVar and to our current knowledge has not been reported in affected individuals in the literature. The p.Asp1616 residue is not within a mapped domain of CHD8 (UniProkKB: Q9HCK8). Given the lack of compelling evidence for its pathogenicity, the c.4846G>C (p.Asp1616His) variant detected in the CHD8 gene is reported here as a Variant of Uncertain Significance.